The following is an entry in ClinVar:

ClinVar aggregate classification (germline): Uncertain significance. Review status: criteria provided, multiple submitters, no conflicts (2 of 4 stars). 4 submissions from 4 submitters: Uncertain significance (4). Last evaluated 2026-04-29.

Conditions:
Angioedema, hereditary, 4. Identifiers: MedGen C5543503, MONDO:0025712, OMIM 619360.
Plasminogen deficiency, type I. Also called: Hypoplasminogenemia; Type 1 plasminogen deficiency. Identifiers: Orphanet 722, MedGen C1968804, MONDO:0009009, OMIM 217090.

Allele frequency attached by ClinVar (database versions not stated): gnomAD exomes 0.00024 and 0.00009; ExAC 0.00010; gnomAD 0.00010 and 0.00011; TOPMed 0.00010.
gnomAD v4.1: 362 of 1,614,168 alleles (0.022%); highest among the groups gnomAD compares: Non-Finnish European, 0.03%; no homozygotes.

Submissions (4):

Women's Health and Genetics/Laboratory Corporation of America, LabCorp
Classification: Uncertain significance. Last evaluated: 2026-04-29. Review status: criteria provided, single submitter. Criteria: LabCorp Variant Classification Summary - May 2015. Collection method: clinical testing. Allele origin: germline.
Comment: Variant summary: PLG c.1997T>C (p.Ile666Thr) results in a non-conservative amino acid change in the encoded protein sequence. Algorithms developed to predict the effect of missense changes on protein structure and function all suggest that this variant is likely to be disruptive. The variant allele was found at a frequency of 9.1e-05 in 251488 control chromosomes. This frequency is not significantly higher than estimated for disease-causing variants in PLG, allowing no conclusion about variant significance. To our knowledge, no occurrence of c.1997T>C in individuals affected with PLG-related conditions and no experimental evidence demonstrating its impact on protein function have been reported. ClinVar contains an entry for this variant (Variation ID: 1163463). Based on the evidence outlined above, the variant was classified as uncertain significance.

Labcorp Genetics (formerly Invitae), Labcorp
Classification: Uncertain significance. Last evaluated: 2025-08-24. Review status: criteria provided, single submitter. Criteria: Invitae Variant Classification Sherloc (09022015). Collection method: clinical testing. Allele origin: germline.
Comment: This sequence change replaces isoleucine, which is neutral and non-polar, with threonine, which is neutral and polar, at codon 666 of the PLG protein (p.Ile666Thr). This variant is present in population databases (rs764647453, gnomAD 0.02%). This variant has not been reported in the literature in individuals affected with PLG-related conditions. ClinVar contains an entry for this variant (Variation ID: 1163463). Invitae Evidence Modeling of protein sequence and biophysical properties (such as structural, functional, and spatial information, amino acid conservation, physicochemical variation, residue mobility, and thermodynamic stability) indicates that this missense variant is not expected to disrupt PLG protein function with a negative predictive value of 80%. In summary, the available evidence is currently insufficient to determine the role of this variant in disease. Therefore, it has been classified as a Variant of Uncertain Significance.

Fulgent Genetics
Classification: Uncertain significance for Plasminogen deficiency, type I; Angioedema, hereditary, 4. Last evaluated: 2024-03-22. Review status: criteria provided, single submitter. Criteria: ACMG Guidelines, 2015. Collection method: clinical testing. Allele origin: germline.

Mayo Clinic Laboratories, Mayo Clinic
Classification: Uncertain significance. Last evaluated: 2020-02-27. Review status: criteria provided, single submitter. Criteria: ACMG Guidelines, 2015. Collection method: clinical testing. Allele origin: germline. Observed: 1 variant allele.

NM_000301.5(PLG):c.1997T>C (p.Ile666Thr)

Gene: PLG (plasminogen; plus strand). Cytogenetic location: 6q26.
Variant type: single nucleotide variant.
Coding change: c.1997T>C on transcript NM_000301.5 (MANE Select); coding-DNA position 1997, T replaced by C.
Protein change: p.Ile666Thr; replaces isoleucine 666 with threonine.
Molecular consequence: missense variant.
Genome position (GRCh38, 1-based): chr6:160,739,187, T>C. VCF-style: chr6-160739187-T-C. GRCh37 (hg19) VCF-style: chr6-161160219-T-C.
Other names: short protein forms I666T.
Identifiers: ClinVar variation 1163463 (VCV001163463.11), dbSNP rs764647453, ClinGen allele CA4087947.
Genomic context (GRCh38, chr6:160,739,187, plus strand): 5'-AACCGCATGTTCAGGAAATAGAAGTGTCTAGGCTGTTCTTGGAGCCCACACGAAAAGATA[T>C]TGCCTTGCTAAAGCTAAGCAGGTACTCGTTCACCTGTGGTCTTCACCCCACGCTGGTGAA-3'
Protein context (NP_000292.1, residues 656-676): RLFLEPTRKD[Ile666Thr]ALLKLSSPAV